The following is an entry in ClinVar:

ClinVar aggregate classification (germline): Uncertain significance (1 of 4 stars; one submission).

Submission:

GeneDx
Classification: Uncertain significance. Last evaluated: 2022-11-25. Review status: criteria provided, single submitter. Criteria: GeneDx Variant Classification Process June 2021. Collection method: clinical testing. Allele origin: germline. Affected: yes.
Comment: Segregated with disease in a family with multiple members affected with isolated microphthalmia in published literature (You et al., 2012); Not observed at significant frequency in large population cohorts (gnomAD); In silico analysis supports that this missense variant has a deleterious effect on protein structure/function; Also known as p.(R68P); This variant is associated with the following publications: (PMID: 22268617)

NM_021728.4(OTX2):c.227G>C (p.Arg76Pro)

Gene: OTX2 (orthodenticle homeobox 2; minus strand). Cytogenetic location: 14q22.3.
Variant type: single nucleotide variant.
Coding change: c.227G>C on transcript NM_021728.4 (MANE Select); coding-DNA position 227, G replaced by C.
Protein change: p.Arg76Pro; replaces arginine 76 with proline.
Molecular consequence: missense variant.
Genome position (GRCh38, 1-based): chr14:56,804,234, C>G on the plus strand (G>C on the coding strand, the complement: OTX2 is on the minus strand). VCF-style: chr14-56804234-C-G. GRCh37 (hg19) VCF-style: chr14-57270952-C-G.
Other names: c.203G>C, p.Arg68Pro (NM_001270523.2, NM_001270524.2, NM_172337.3); c.227G>C, p.Arg76Pro (NM_001270525.2); short protein forms R68P, R76P.
Identifiers: ClinVar variation 2504301 (VCV002504301.1), dbSNP rs2503907317, ClinGen allele CA390052338.
Genomic context (GRCh38, chr14:56,804,234, plus strand): 5'-TGCATCTGCCCTACCTGCACCCTCGACTCGGGCAAGTTGATTTTCAGTGCCACCTCCTCT[C>G]GCATGAAGATGTCTGGGTACCGGGTCTTGGCAAACAGTGCTTCCAGCACATCTAGCTGCG-3'
Protein context (NP_068374.1, residues 66-86): AKTRYPDIFM[Arg76Pro]EEVALKINLP